The following is an entry in ClinVar:

ClinVar aggregate classification (germline): Uncertain significance (1 of 4 stars; one submission).

Submission:

GeneDx
Classification: Uncertain significance. Last evaluated: 2024-02-14. Review status: criteria provided, single submitter. Criteria: GeneDx Variant Classification Process June 2021. Collection method: clinical testing. Allele origin: germline. Affected: yes.
Comment: Not observed at significant frequency in large population cohorts (gnomAD); In silico analysis supports that this missense variant does not alter protein structure/function; This substitution is predicted to be within the transmembrane segment S6 of the fourth homologous domain; Has not been previously published as pathogenic or benign to our knowledge

NM_001040142.2(SCN2A):c.5257A>G (p.Ile1753Val)

Gene: SCN2A (sodium voltage-gated channel alpha subunit 2; plus strand). Cytogenetic location: 2q24.3.
Variant type: single nucleotide variant.
Coding change: c.5257A>G on transcript NM_001040142.2 (MANE Select); coding-DNA position 5257, A replaced by G.
Protein change: p.Ile1753Val; replaces isoleucine 1753 with valine.
Molecular consequence: missense variant.
Genome position (GRCh38, 1-based): chr2:165,389,063, A>G. VCF-style: chr2-165389063-A-G. GRCh37 (hg19) VCF-style: chr2-166245573-A-G.
Other names: c.5257A>G, p.Ile1753Val (NM_001040143.2, NM_001371246.1, NM_001371247.1 and 1 more transcripts); short protein forms I1753V.
Identifiers: ClinVar variation 3369098 (VCV003369098.1).